The following is an entry in ClinVar:

NM_001711.6(BGN):c.769A>T (p.Arg257Trp)

Gene: BGN (biglycan; plus strand). Cytogenetic location: Xq28.
Variant type: single nucleotide variant.
Coding change: c.769A>T on transcript NM_001711.6 (MANE Select); coding-DNA position 769, A replaced by T.
Protein change: p.Arg257Trp; replaces arginine 257 with tryptophan.
Molecular consequence: missense variant.
Genome position (GRCh38, 1-based): chrX:153,506,922, A>T. VCF-style: chrX-153506922-A-T. GRCh37 (hg19) VCF-style: chrX-152772380-A-T.
Other names: short protein forms R257W.
Identifiers: ClinVar variation 4292882 (VCV004292882.1).

ClinVar aggregate classification (germline): Uncertain significance (1 of 4 stars; one submission).

Conditions:
X-linked spondyloepimetaphyseal dysplasia. Identifiers: MedGen C1848097, MONDO:0010248, OMIM 300106, Orphanet 93349.

Submission:

3billion
Classification: Uncertain significance for X-linked spondyloepimetaphyseal dysplasia. Last evaluated: 2024-11-27. Review status: criteria provided, single submitter. Criteria: ACMG Guidelines, 2015. Collection method: clinical testing. Allele origin: germline. Affected: yes.
Comment: The variant is not observed in the gnomAD v4.1.0 dataset. Predicted Consequence/Location: Missense variant Different missense changes at the same codon have been reported as of uncertain significance (ClinVar ID: VCV002439512) Therefore, this variant is classified as VUS according to the recommendation of ACMG/AMP guideline.